The following is an entry in ClinVar:

NM_182961.4(SYNE1):c.152A>G (p.Asp51Gly)

Gene: SYNE1 (spectrin repeat containing nuclear envelope protein 1; minus strand). Cytogenetic location: 6q25.2.
Variant type: single nucleotide variant.
Coding change: c.152A>G on transcript NM_182961.4 (MANE Select); coding-DNA position 152, A replaced by G.
Protein change: p.Asp51Gly; replaces aspartic acid 51 with glycine.
Molecular consequence: missense variant.
Genome position (GRCh38, 1-based): chr6:152,526,153, T>C on the plus strand (A>G on the coding strand, the complement: SYNE1 is on the minus strand). VCF-style: chr6-152526153-T-C. GRCh37 (hg19) VCF-style: chr6-152847288-T-C.
Other names: c.152A>G, p.Asp51Gly (NM_033071.5); short protein forms D51G.
Identifiers: ClinVar variation 2038078 (VCV002038078.2), dbSNP rs746566831, ClinGen allele CA150211535.

ClinVar aggregate classification (germline): Uncertain significance (1 of 4 stars; one submission).

Conditions:
Emery-Dreifuss muscular dystrophy 4, autosomal dominant (EDMD4). Also called: EMERY-DREIFUSS MUSCULAR DYSTROPHY 4 WITH VARIABLE FEATURES. Identifiers: Orphanet 261, MedGen C2751807, MONDO:0013071, OMIM 612998.
Autosomal recessive ataxia, Beauce type. Also called: SYNE1 Deficiency; Spinocerebellar ataxia, autosomal recessive 8; ATAXIA, RECESSIVE, OF BEAUCE; SYNE1-Related Autosomal Recessive Cerebellar Ataxia. Identifiers: Orphanet 88644, MedGen C1853116, MONDO:0012549, OMIM 610743.

gnomAD v4.1: 20 of 1,614,136 alleles (0.0012%); highest among the groups gnomAD compares: Non-Finnish European, 0.0015%; no homozygotes.

Submission:

Labcorp Genetics (formerly Invitae), Labcorp
Classification: Uncertain significance for Emery-Dreifuss muscular dystrophy 4, autosomal dominant; Autosomal recessive ataxia, Beauce type. Last evaluated: 2022-01-03. Review status: criteria provided, single submitter. Criteria: Invitae Variant Classification Sherloc (09022015). Collection method: clinical testing. Allele origin: germline.
Comment: In summary, the available evidence is currently insufficient to determine the role of this variant in disease. Therefore, it has been classified as a Variant of Uncertain Significance. Algorithms developed to predict the effect of missense changes on protein structure and function are either unavailable or do not agree on the potential impact of this missense change (SIFT: "Deleterious"; PolyPhen-2: "Benign"; Align-GVGD: "Class C0"). This variant has not been reported in the literature in individuals affected with SYNE1-related conditions. This variant is present in population databases (rs746566831, gnomAD 0.002%). This sequence change replaces aspartic acid, which is acidic and polar, with glycine, which is neutral and non-polar, at codon 51 of the SYNE1 protein (p.Asp51Gly).